The following is an entry in ClinVar:

ClinVar aggregate classification (germline): Uncertain significance. Review status: criteria provided, multiple submitters, no conflicts (2 of 4 stars). 3 submissions from 3 submitters: Uncertain significance (3). Last evaluated 2025-04-24.

Conditions:
Inborn genetic diseases. Identifiers: MedGen C0950123, MeSH D030342.
Fucosidosis. Also called: ALPHA-L-FUCOSIDASE DEFICIENCY. Identifiers: Orphanet 349, MedGen C0016788, MONDO:0009254, OMIM 230000.

Allele frequency attached by ClinVar (database versions not stated): gnomAD 0.00001; ExAC 0.00003; gnomAD exomes 0.00004 and 0.00001; TOPMed 0.00003.
gnomAD v4.1: 16 of 1,614,084 alleles (0.00099%); highest among the groups gnomAD compares: East Asian, 0.0089%; no homozygotes.

Submissions (3):

Ambry Genetics
Classification: Uncertain significance for Inborn genetic diseases. Last evaluated: 2025-04-24. Review status: criteria provided, single submitter. Criteria: Ambry Variant Classification Scheme 2023. Collection method: clinical testing. Allele origin: germline.

Labcorp Genetics (formerly Invitae), Labcorp
Classification: Uncertain significance for Fucosidosis. Last evaluated: 2024-12-09. Review status: criteria provided, single submitter. Criteria: Invitae Variant Classification Sherloc (09022015). Collection method: clinical testing. Allele origin: germline.
Comment: This sequence change replaces arginine, which is basic and polar, with glutamine, which is neutral and polar, at codon 162 of the FUCA1 protein (p.Arg162Gln). This variant is present in population databases (rs372045495, gnomAD 0.03%). This variant has not been reported in the literature in individuals affected with FUCA1-related conditions. ClinVar contains an entry for this variant (Variation ID: 1698494). Invitae Evidence Modeling of protein sequence and biophysical properties (such as structural, functional, and spatial information, amino acid conservation, physicochemical variation, residue mobility, and thermodynamic stability) has been performed for this missense variant. However, the output from this modeling did not meet the statistical confidence thresholds required to predict the impact of this variant on FUCA1 protein function. In summary, the available evidence is currently insufficient to determine the role of this variant in disease. Therefore, it has been classified as a Variant of Uncertain Significance.

Women's Health and Genetics/Laboratory Corporation of America, LabCorp
Classification: Uncertain significance. Last evaluated: 2022-06-07. Review status: criteria provided, single submitter. Criteria: LabCorp Variant Classification Summary - May 2015. Collection method: clinical testing. Allele origin: germline.
Comment: Variant summary: FUCA1 c.485G>A (p.Arg162Gln) results in a conservative amino acid change in the encoded protein sequence. Four of five in-silico tools predict a damaging effect of the variant on protein function. The variant allele was found at a frequency of 4e-05 in 251484 control chromosomes (gnomAD). This frequency is not significantly higher than expected for a pathogenic variant in FUCA1 causing Fucosidosis (4e-05 vs 0.0011), allowing no conclusion about variant significance. To our knowledge, no occurrence of c.485G>A in individuals affected with Fucosidosis and no experimental evidence demonstrating its impact on protein function have been reported. No clinical diagnostic laboratories have submitted clinical-significance assessments for this variant to ClinVar after 2014. Based on the evidence outlined above, the variant was classified as uncertain significance.

NM_000147.5(FUCA1):c.485G>A (p.Arg162Gln)

Genes: FUCA1 (alpha-L-fucosidase 1; minus strand), LOC126805661 (BRD4-independent group 4 enhancer GRCh37_chr1:24191742-24192941; plus strand). Cytogenetic location: 1p36.11.
Variant type: single nucleotide variant.
Coding change: c.485G>A on transcript NM_000147.5 (MANE Select); coding-DNA position 485, G replaced by A.
Protein change: p.Arg162Gln; replaces arginine 162 with glutamine.
Molecular consequence: missense variant. On other transcripts: non-coding transcript variant (4).
Genome position (GRCh38, 1-based): chr1:23,865,530, C>T on the plus strand (G>A on the coding strand, the complement: FUCA1 is on the minus strand). VCF-style: chr1-23865530-C-T. GRCh37 (hg19) VCF-style: chr1-24192020-C-T.
Other names: short protein forms R162Q.
Identifiers: ClinVar variation 1698494 (VCV001698494.6), dbSNP rs372045495, ClinGen allele CA686533.